The following is an entry in ClinVar:

NM_017934.7(PHIP):c.1342_1343del (p.Leu448fs)

Gene: PHIP (pleckstrin homology domain interacting protein; minus strand). Cytogenetic location: 6q14.1.
Variant type: Microsatellite.
Coding change: c.1342_1343del on transcript NM_017934.7 (MANE Select); coding-DNA positions 1342 to 1343, 2 bases deleted (CT; older notation c.1342_1343delCT).
Protein change: p.Leu448fs; shifts the reading frame from leucine 448.
Molecular consequence: frameshift variant.
Genome position (GRCh38, 1-based): chr6:79,015,676-79,015,677, AG deleted on the plus strand (CT on the coding strand, the reverse complement: PHIP is on the minus strand); deleting any 2 consecutive bases within chr6:79,015,676-79,015,679 gives the same sequence; the c. name uses the placement nearest the transcript's 3' end. VCF-style (leftmost placement, unchanged base first): chr6-79015675-CAG-C. GRCh37 (hg19) VCF-style: chr6-79725392-CAG-C.
Other names: short protein forms L448fs.
Identifiers: ClinVar variation 424321 (VCV000424321.2), dbSNP rs1064796911, ClinGen allele CA16618331.

ClinVar aggregate classification (germline): Pathogenic (1 of 4 stars; one submission).

Submission:

GeneDx
Classification: Pathogenic. Last evaluated: 2018-09-27. Review status: criteria provided, single submitter. Criteria: GeneDx Variant Classification (06012015). Collection method: clinical testing. Allele origin: germline. Affected: yes.
Comment: The c.1342_1343delCT pathogenic variant in the PHIP gene has not been published as a pathogenicvariant, nor has it been reported as a benign variant to our knowledge. The c.1342_1343delCT variantcauses a frameshift starting with codon Leucine 448, changes this amino acid to a Glutamic Acidresidue and creates a premature Stop codon at position 18 of the new reading frame, denotedp.Leu448GlufsX18. This pathogenic variant is predicted to cause loss of normal protein functioneither through protein truncation or nonsense-mediated mRNA decay. The c.1342_1343delCT variantis not observed in large population cohorts (Lek et al., 2016). Therefore, we interpretc.1342_1343delCT as a pathogenic variant.